The following is an entry in ClinVar:

NC_000016.9:g.(?_89583809)_(89613188_?)dup

Gene: SPG7 (SPG7 matrix AAA peptidase subunit, paraplegin; plus strand). Cytogenetic location: 16q24.3.
Variant type: Duplication.
Identifiers: ClinVar variation 3243430 (VCV003243430.1).

ClinVar aggregate classification (germline): Uncertain significance (1 of 4 stars; one submission).

Conditions:
Hereditary spastic paraplegia 7 (SPG7). Also called: Autosomal recessive spastic paraplegia type 7; SPASTIC PARAPLEGIA 7, AUTOSOMAL RECESSIVE, WITH OR WITHOUT CEREBELLAR ATAXIA; Spastic paraplegia 7; Hereditary spastic paraplegia Paraplegin type; SPG7-related neurologic disorder. Identifiers: Orphanet 99013, MedGen C1846564, MONDO:0011803, OMIM 607259.

Submission:

Labcorp Genetics (formerly Invitae), Labcorp
Classification: Uncertain significance for Hereditary spastic paraplegia 7. Last evaluated: 2023-03-27. Review status: criteria provided, single submitter. Criteria: Invitae Variant Classification Sherloc (09022015). Collection method: clinical testing. Allele origin: unknown.
Comment: A similar copy number variant has been observed in individual(s) with optic atrophy (Invitae). In summary, the available evidence is currently insufficient to determine the role of this variant in disease. Therefore, it has been classified as a Variant of Uncertain Significance. Experimental studies and prediction algorithms are not available or were not evaluated, and the functional significance of this variant is currently unknown. This variant results in a copy number gain of the genomic region encompassing exon(s) 4-11 of the SPG7 gene. While the exact position of this variant cannot be determined from the data, sub-genic copy number gains are generally in tandem (PMID: 25640679). This variant is predicted to be in-frame, and likely preserves the integrity of the reading frame.

Literature cited by the submitters: PubMed 25640679.